The following is an entry in ClinVar:

ClinVar aggregate classification (germline): Uncertain significance (1 of 4 stars; one submission).

gnomAD v4.1: 2 of 1,548,770 alleles (0.00013%); highest among the groups gnomAD compares: African/African-American, 0.0027%; no homozygotes.

Submission:

Labcorp Genetics (formerly Invitae), Labcorp
Classification: Uncertain significance. Last evaluated: 2022-08-22. Review status: criteria provided, single submitter. Criteria: Invitae Variant Classification Sherloc (09022015). Collection method: clinical testing. Allele origin: germline.
Comment: This sequence change replaces phenylalanine, which is neutral and non-polar, with leucine, which is neutral and non-polar, at codon 2285 of the EYS protein (p.Phe2285Leu). This variant is not present in population databases (gnomAD no frequency). This variant has not been reported in the literature in individuals affected with EYS-related conditions. ClinVar contains an entry for this variant (Variation ID: 1053126). Algorithms developed to predict the effect of missense changes on protein structure and function output the following: SIFT: "Deleterious"; PolyPhen-2: "Probably Damaging"; Align-GVGD: "Class C0". The leucine amino acid residue is found in multiple mammalian species, which suggests that this missense change does not adversely affect protein function. In summary, the available evidence is currently insufficient to determine the role of this variant in disease. Therefore, it has been classified as a Variant of Uncertain Significance.

NM_001142800.2(EYS):c.6853T>C (p.Phe2285Leu)

Gene: EYS (EGF-like photoreceptor maintenance factor; minus strand). Cytogenetic location: 6q12.
Variant type: single nucleotide variant.
Coding change: c.6853T>C on transcript NM_001142800.2 (MANE Select); coding-DNA position 6853, T replaced by C.
Protein change: p.Phe2285Leu; replaces phenylalanine 2285 with leucine.
Molecular consequence: missense variant.
Genome position (GRCh38, 1-based): chr6:63,984,585, A>G on the plus strand (T>C on the coding strand, the complement: EYS is on the minus strand). VCF-style: chr6-63984585-A-G. GRCh37 (hg19) VCF-style: chr6-64694478-A-G.
Other names: c.6853T>C, p.Phe2285Leu (NM_001292009.2); short protein forms F2285L.
Identifiers: ClinVar variation 1053126 (VCV001053126.9), dbSNP rs2149792407, ClinGen allele CA364389044.